The following is an entry in ClinVar:

ClinVar aggregate classification (germline): Pathogenic (1 of 4 stars; one submission).

Submission:

Labcorp Genetics (formerly Invitae), Labcorp
Classification: Pathogenic. Last evaluated: 2023-09-20. Review status: criteria provided, single submitter. Criteria: Invitae Variant Classification Sherloc (09022015). Collection method: clinical testing. Allele origin: germline.
Comment: This sequence change creates a premature translational stop signal (p.Tyr339Glnfs*2) in the ERCC6L2 gene. It is expected to result in an absent or disrupted protein product. Loss-of-function variants in ERCC6L2 are known to be pathogenic (PMID: 24507776, 27185855, 29146883, 29987015). This variant is not present in population databases (gnomAD no frequency). This variant has not been reported in the literature in individuals affected with ERCC6L2-related conditions. For these reasons, this variant has been classified as Pathogenic.

Literature cited by the submitters: PubMed 24507776; PubMed 27185855; PubMed 29146883; PubMed 29987015.

NM_020207.7(ERCC6L2):c.982_1006del (p.Tyr328fs)

Gene: ERCC6L2 (ERCC excision repair 6 like 2; plus strand). Cytogenetic location: 9q22.32.
Variant type: Deletion.
Coding change: c.982_1006del on transcript NM_020207.7 (MANE Select); coding-DNA positions 982 to 1006, 25 bases deleted (TACTTCAAGAAGCAGTTTTCTGACC).
Protein change: p.Tyr328fs; shifts the reading frame from tyrosine 328.
Molecular consequence: frameshift variant. On other transcripts: non-coding transcript variant (1).
Genome position (GRCh38, 1-based): chr9:95,916,258-95,916,282, TACTTCAAGAAGCAGTTTTCTGACC deleted; deleting any 25 consecutive bases within chr9:95,916,254-95,916,282 gives the same sequence; the c. name uses the placement nearest the transcript's 3' end. VCF-style (leftmost placement, unchanged base first): chr9-95916253-GGACCTACTTCAAGAAGCAGTTTTCT-G. GRCh37 (hg19) VCF-style: chr9-98678535-GGACCTACTTCAAGAAGCAGTTTTCT-G.
Other names: c.982_1006del, p.Tyr328fs (NM_001010895.4, NM_001375291.1, NM_001375292.1 and 2 more transcripts); short protein forms Y328fs.
Identifiers: ClinVar variation 2902416 (VCV002902416.3), dbSNP rs2490122116, ClinGen allele CA2690807568.